The following is an entry in ClinVar:

ClinVar aggregate classification (germline): Uncertain significance. Review status: criteria provided, multiple submitters, no conflicts (2 of 4 stars). 2 submissions from 2 submitters: Uncertain significance (2). Last evaluated 2024-03-28.

Conditions:
Gorlin syndrome. Also called: Basal cell nevus syndrome; Nevoid Basal Cell Carcinoma Syndrome. Identifiers: Orphanet 377, MedGen C0004779, MONDO:0007187.
Hereditary cancer-predisposing syndrome. Also called: Hereditary neoplastic syndrome; Tumor predisposition; Hereditary Cancer Syndrome; Neoplastic Syndromes, Hereditary. Identifiers: Orphanet 140162, MedGen C0027672, MeSH D009386, MONDO:0015356.

Submissions (2):

Labcorp Genetics (formerly Invitae), Labcorp
Classification: Uncertain significance for Gorlin syndrome. Last evaluated: 2024-03-28. Review status: criteria provided, single submitter. Criteria: Invitae Variant Classification Sherloc (09022015). Collection method: clinical testing. Allele origin: germline.
Comment: This sequence change replaces serine, which is neutral and polar, with threonine, which is neutral and polar, at codon 1334 of the PTCH1 protein (p.Ser1334Thr). This variant is not present in population databases (gnomAD no frequency). This variant has not been reported in the literature in individuals affected with PTCH1-related conditions. ClinVar contains an entry for this variant (Variation ID: 577238). Advanced modeling of protein sequence and biophysical properties (such as structural, functional, and spatial information, amino acid conservation, physicochemical variation, residue mobility, and thermodynamic stability) performed at Invitae indicates that this missense variant is not expected to disrupt PTCH1 protein function with a negative predictive value of 95%. In summary, the available evidence is currently insufficient to determine the role of this variant in disease. Therefore, it has been classified as a Variant of Uncertain Significance.

Ambry Genetics
Classification: Uncertain significance for Hereditary cancer-predisposing syndrome. Last evaluated: 2021-10-27. Review status: criteria provided, single submitter. Criteria: Ambry Variant Classification Scheme 2023. Collection method: clinical testing. Allele origin: germline.
Comment: The p.S1334T variant (also known as c.4001G>C), located in coding exon 23 of the PTCH1 gene, results from a G to C substitution at nucleotide position 4001. The serine at codon 1334 is replaced by threonine, an amino acid with similar properties. This amino acid position is well conserved in available vertebrate species. In addition, this alteration is predicted to be tolerated by in silico analysis. Since supporting evidence is limited at this time, the clinical significance of this alteration remains unclear.

NM_000264.5(PTCH1):c.4001G>C (p.Ser1334Thr)

Gene: PTCH1 (patched 1; minus strand). Cytogenetic location: 9q22.32.
Variant type: single nucleotide variant.
Coding change: c.4001G>C on transcript NM_000264.5 (MANE Select); coding-DNA position 4001, G replaced by C.
Protein change: p.Ser1334Thr; replaces serine 1334 with threonine.
Molecular consequence: missense variant. On other transcripts: non-coding transcript variant (1).
Genome position (GRCh38, 1-based): chr9:95,447,255, C>G on the plus strand (G>C on the coding strand, the complement: PTCH1 is on the minus strand). VCF-style: chr9-95447255-C-G. GRCh37 (hg19) VCF-style: chr9-98209537-C-G.
Other names: c.3803G>C, p.Ser1268Thr (NM_001083602.3); c.3998G>C, p.Ser1333Thr (NM_001083603.3); c.3548G>C, p.Ser1183Thr (NM_001083604.3, NM_001083605.3, NM_001083606.3 and 1 more transcripts); c.3845G>C, p.Ser1282Thr (NM_001354918.2); short protein forms S1334T, S1268T, S1282T, S1333T, S1183T.
Identifiers: ClinVar variation 577238 (VCV000577238.11), dbSNP rs200620662, ClinGen allele CA374110502.